The following is an entry in ClinVar:

ClinVar aggregate classification (germline): Conflicting classifications of pathogenicity. Review status: criteria provided, conflicting classifications (1 of 4 stars). 3 submissions from 3 submitters: Pathogenic (1); Uncertain significance (2). Last evaluated 2026-01-20.

Conditions:
Inborn genetic diseases. Identifiers: MedGen C0950123, MeSH D030342.
GLUT1 deficiency syndrome 1, autosomal recessive. Identifiers: MedGen C3149117.

Submissions (3):

Ambry Genetics
Classification: Uncertain significance for Inborn genetic diseases. Last evaluated: 2026-01-20. Review status: criteria provided, single submitter. Criteria: Ambry Variant Classification Scheme 2023. Collection method: clinical testing. Allele origin: germline.
Comment: The c.259G>A (p.V87I) alteration is located in exon 3 (coding exon 3) of the SLC2A1 gene. This alteration results from a G to A substitution at nucleotide position 259, causing the valine (V) at amino acid position 87 to be replaced by an isoleucine (I). This variant was not reported in population-based cohorts in the Genome Aggregation Database (gnomAD). This variant was reported in individuals with features consistent with GLUT1 deficiency syndrome (Atasu, 2024; Wolking, 2014). This amino acid position is well conserved in available vertebrate species. The in silico prediction for this alteration is inconclusive. Based on insufficient or conflicting evidence, the clinical significance of this alteration remains unclear.

Labcorp Genetics (formerly Invitae), Labcorp
Classification: Pathogenic for GLUT1 deficiency syndrome 1, autosomal recessive. Last evaluated: 2025-11-24. Review status: criteria provided, single submitter. Criteria: Invitae Variant Classification Sherloc (09022015). Collection method: clinical testing. Allele origin: germline.
Comment: This sequence change replaces valine, which is neutral and non-polar, with isoleucine, which is neutral and non-polar, at codon 87 of the SLC2A1 protein (p.Val87Ile). This variant is not present in population databases (gnomAD no frequency). This missense change has been observed in individual(s) with clinical features of SLC2A1-related conditions (PMID: 25022942, 38458754; internal data). It has also been observed to segregate with disease in related individuals. ClinVar contains an entry for this variant (Variation ID: 947521). Invitae Evidence Modeling incorporating data from in vitro experimental studies (internal data) indicates that this missense variant is not expected to disrupt SLC2A1 function with a negative predictive value of 95%. For these reasons, this variant has been classified as Pathogenic.

GeneDx
Classification: Uncertain significance. Last evaluated: 2025-03-24. Review status: criteria provided, single submitter. Criteria: GeneDx Variant Classification Process June 2021. Collection method: clinical testing. Allele origin: germline.
Comment: Not observed at significant frequency in large population cohorts (gnomAD); In silico analysis indicates that this missense variant does not alter protein structure/function; This variant is associated with the following publications: (PMID: 37000947, 25022942)

Literature cited by the submitters: PubMed 25022942 (cited by Ambry Genetics and Labcorp Genetics (formerly Invitae), Labcorp); PubMed 38458754 (cited by Ambry Genetics and Labcorp Genetics (formerly Invitae), Labcorp).

NM_006516.4(SLC2A1):c.259G>A (p.Val87Ile)

Gene: SLC2A1 (solute carrier family 2 member 1; minus strand). Cytogenetic location: 1p34.2.
Variant type: single nucleotide variant.
Coding change: c.259G>A on transcript NM_006516.4 (MANE Select); coding-DNA position 259, G replaced by A.
Protein change: p.Val87Ile; replaces valine 87 with isoleucine.
Molecular consequence: missense variant.
Genome position (GRCh38, 1-based): chr1:42,931,062, C>T on the plus strand (G>A on the coding strand, the complement: SLC2A1 is on the minus strand). VCF-style: chr1-42931062-C-T. GRCh37 (hg19) VCF-style: chr1-43396733-C-T.
Other names: short protein forms V87I.
Identifiers: ClinVar variation 947521 (VCV000947521.11), dbSNP rs1643484242, ClinGen allele CA339961617.